The following is an entry in ClinVar:

ClinVar aggregate classification (germline): Uncertain significance (1 of 4 stars; one submission).

Conditions:
Early-infantile DEE. Also called: Ohtahara syndrome; Early infantile epileptic encephalopathy with suppression bursts; Early infantile epileptic encephalopathy. Identifiers: Orphanet 1934, MedGen C0393706, MONDO:0800491.

Submission:

Labcorp Genetics (formerly Invitae), Labcorp
Classification: Uncertain significance for Early-infantile DEE. Last evaluated: 2022-12-06. Review status: criteria provided, single submitter. Criteria: Invitae Variant Classification Sherloc (09022015). Collection method: clinical testing. Allele origin: germline.
Comment: In summary, the available evidence is currently insufficient to determine the role of this variant in disease. Therefore, it has been classified as a Variant of Uncertain Significance. ClinVar contains an entry for this variant (Variation ID: 971682). This variant has not been reported in the literature in individuals affected with ARHGEF15-related conditions. This variant is present in population databases (no rsID available, gnomAD 0.01%). This sequence change creates a premature translational stop signal (p.Leu628Trpfs*14) in the ARHGEF15 gene. It is expected to result in an absent or disrupted protein product. However, the current clinical and genetic evidence is not sufficient to establish whether loss-of-function variants in ARHGEF15 cause disease.

NM_173728.4(ARHGEF15):c.1882del (p.Leu628fs)

Gene: ARHGEF15 (Rho guanine nucleotide exchange factor 15; plus strand). Cytogenetic location: 17p13.1.
Variant type: Deletion.
Coding change: c.1882del on transcript NM_173728.4 (MANE Select); coding-DNA position 1882, one base deleted (C; older notation c.1882delC).
Protein change: p.Leu628fs; shifts the reading frame from leucine 628.
Molecular consequence: frameshift variant.
Genome position (GRCh38, 1-based): chr17:8,318,759, C deleted; the last of 4 consecutive C bases (chr17:8,318,756-8,318,759); deleting any one gives the same sequence. VCF-style (leftmost placement, unchanged base first): chr17-8318755-GC-G. GRCh37 (hg19) VCF-style: chr17-8222073-GC-G.
Other names: c.1882del, p.Leu628fs (NM_025014.2); short protein forms L628fs.
Identifiers: ClinVar variation 971682 (VCV000971682.7), dbSNP rs866103468, ClinGen allele CA287572393.